The following is an entry in ClinVar:

NC_012920.1(MT-TR):m.10438A>G

Gene: MT-TR (mitochondrially encoded tRNA arginine; plus strand).
Variant type: single nucleotide variant.
Genome position: chrM-10438-A-G.
Other names: 10438A-G.
Identifiers: ClinVar variation 9623 (VCV000009623.3), dbSNP rs121434456, ClinGen allele CA120586.
Genomic context (GRCh38, chrMT:10,438, plus strand): 5'-TACAAAAAGGATTAGACTGAACCGAATTGGTATATAGTTTAAACAAAACGAATGATTTCG[A>G]CTCATTAAATTATGATAATCATATTTACCAAATGCCCCTCATTTACATAAATATTATACT-3'

ClinVar aggregate classification (germline): Uncertain significance. Review status: reviewed by expert panel (3 of 4 stars). 3 submissions from 3 submitters: Uncertain significance (1). 2 of the submissions do not count toward it. Last evaluated 2024-02-26.

Conditions:
Mitochondrial disease. Also called: Mitochondrial disorder; Mitochondrial disorders. Identifiers: Orphanet 68380, MedGen C0751651, MeSH D028361, MONDO:0044970.
Mitochondrial encephalomyopathy. Identifiers: MedGen C0162666, MONDO:0004675.

Submissions (3):

ClinGen Mitochondrial Disease Nuclear and Mitochondrial  Variant Curation Expert Panel, ClinGen
Classification: Uncertain significance for Mitochondrial disease. Last evaluated: 2024-02-26. Review status: reviewed by expert panel. Criteria: clingen mito disease acmg specifications v1-1. Collection method: curation. Allele origin: germline. Inheritance: Mitochondrial inheritance.
Comment: The m.10438A>G variant in MT-TR has been reported in one individual with primary mitochondrial disease (PMID: 15286228). This individual had decreased vision, nystagmus, developmental delay, intellectual disability, clumsiness, and hypotonia. Complex IV was mildly reduced in muscle. The variant was present in muscle at 88% heteroplasmy and in blood at 73% heteroplasmy. Of note, nuclear genetic etiologies were not evaluated in this family. A second individual with Leber Hereditary Optic Neuropathy (LHON) caused by m.11778G>A was also found to have this variant at homoplasmy, and this variant was considered an LHON modifier (PMID: 35623556). Multiple family members were also found to have the variant present at homoplasmy. There is one heteroplasmic occurrence in gnomAD v3.1.2, one heteroplasmic and one homoplasmic occurrence in the Helix dataset, and the variant is absent in the MITOMAP GenBank dataset (PM2_supporting). The computational predictor MitoTIP suggests this variant is possibly benign (12.4 percentile) and HmtVAR predicts it to be pathogenic with a score of 0.35. There are no cybrids, single fiber studies, or other functional assays reported on this variant. In summary, this variant meets criteria to be classified as uncertain significance for primary mitochondrial disease inherited in a mitochondrial manner. This classification was approved by the NICHD/NINDS U24 ClinGen Mitochondrial Disease Variant Curation Expert Panel on February 26, 2024. Mitochondrial DNA-specific ACMG/AMP criteria applied (PMID: 32906214): PM2_supporting.

Mendelics
Classification: Pathogenic for Mitochondrial disease. Last evaluated: 2022-05-04. Review status: criteria provided, single submitter. Criteria: Mendelics Assertion Criteria 2019. Collection method: clinical testing. Allele origin: germline. Not counted in ClinVar's aggregate classification.

OMIM
Classification: Pathogenic for ENCEPHALOMYOPATHY, MITOCHONDRIAL. Last evaluated: 2004-08-01. Review status: no assertion criteria provided. Collection method: literature only. Allele origin: germline. Not counted in ClinVar's aggregate classification.

Literature cited by the submitters: PubMed 15286228 (cited by OMIM).